The following is an entry in ClinVar:

ClinVar aggregate classification (germline): Uncertain significance (1 of 4 stars; one submission).

Submission:

GeneDx
Classification: Uncertain significance. Last evaluated: 2024-07-30. Review status: criteria provided, single submitter. Criteria: GeneDx Variant Classification Process June 2021. Collection method: clinical testing. Allele origin: germline. Affected: yes.
Comment: Not observed at significant frequency in large population cohorts (gnomAD); In-frame deletion of 2 amino acids in a non-repeat region; In silico analysis indicates that this variant does not alter protein structure/function; Has not been previously published as pathogenic or benign to our knowledge

NM_080605.4(B3GALT6):c.159_164del (p.Arg54_Ala55del)

Gene: B3GALT6 (beta-1,3-galactosyltransferase 6; plus strand). Cytogenetic location: 1p36.33.
Variant type: Microsatellite.
Coding change: c.159_164del on transcript NM_080605.4 (MANE Select); coding-DNA positions 159 to 164, 6 bases deleted (GCGCGC; older notation c.159_164delGCGCGC).
Protein change: p.Arg54_Ala55del.
Genome position (GRCh38, 1-based): chr1:1,232,437-1,232,442, GCGCGC deleted; deleting any 6 consecutive bases within chr1:1,232,434-1,232,442 gives the same sequence; the c. name uses the placement nearest the transcript's 3' end. VCF-style (leftmost placement, unchanged base first): chr1-1232433-CCGCGCG-C. GRCh37 (hg19) VCF-style: chr1-1167813-CCGCGCG-C.
Identifiers: ClinVar variation 3602226 (VCV003602226.1).